The following is an entry in ClinVar:

ClinVar aggregate classification (germline): Likely pathogenic (1 of 4 stars; one submission).

Conditions:
Wilson disease (WND). Also called: Wilson's disease. Identifiers: Orphanet 905, MedGen C0019202, MONDO:0010200, OMIM 277900. Disease mechanism: loss of function.

Submission:

All of Us Research Program, National Institutes of Health
Classification: Likely pathogenic for Wilson disease. Last evaluated: 2024-04-25. Review status: criteria provided, single submitter. Criteria: ACMG Guidelines, 2015. Collection method: clinical testing. Allele origin: germline. Inheritance: Autosomal recessive inheritance. Observed: 1 variant allele, 1 heterozygote.
Comment: This missense variant replaces aspartic acid with tyrosine at codon 1279 of the ATP7B protein. Computational prediction suggests that this variant may have deleterious impact on protein structure and function. This variant alters a conserved amino acid residue in the P domain of the ATP7B protein, a highly conserved region that is considered to be important for ATP7B protein function (PMID: 35245129). To our knowledge, functional studies have not been reported for this variant. This variant has been observed in individuals affected with autosomal recessive Wilson disease (PMID: 16207219, 16636554), with at least one individual confirmed to carry a second pathogenic variant in trans, indicating that this variant contributes to disease. This variant has not been identified in the general population by the Genome Aggregation Database (gnomAD). Based on the available evidence, this variant is classified as Likely Pathogenic.

This study involves interpretation of variants in research participants for the purpose of population health screening. Participant phenotype was not available at the time of variant classification. Additional details can be found in publication PMID: 35346344, PMCID: PMC8962531

Literature cited by the submitters: PubMed 16207219; PubMed 16636554; PubMed 35245129.

NM_000053.4(ATP7B):c.3835G>T (p.Asp1279Tyr)

Gene: ATP7B (ATPase copper transporting beta; minus strand). Cytogenetic location: 13q14.3.
Variant type: single nucleotide variant.
Coding change: c.3835G>T on transcript NM_000053.4 (MANE Select); coding-DNA position 3835, G replaced by T.
Protein change: p.Asp1279Tyr; replaces aspartic acid 1279 with tyrosine.
Molecular consequence: missense variant. On other transcripts: intron variant (1).
Genome position (GRCh38, 1-based): chr13:51,937,544, C>A on the plus strand (G>T on the coding strand, the complement: ATP7B is on the minus strand). VCF-style: chr13-51937544-C-A. GRCh37 (hg19) VCF-style: chr13-52511680-C-A.
Other names: c.3739G>T, p.Asp1247Tyr (NM_001406517.1, NM_001406518.1); c.3700G>T, p.Asp1234Tyr (NM_001406519.1); c.3691G>T, p.Asp1231Tyr (NM_001406520.1, NM_001406521.1, NM_001406522.1); c.3652G>T, p.Asp1218Tyr (NM_001406523.1); c.3658G>T, p.Asp1220Tyr (NM_001406524.1); c.3640G>T, p.Asp1214Tyr (NM_001406525.1); c.3601G>T, p.Asp1201Tyr (NM_001406527.1, NM_001406528.1, NM_001330578.2); c.3595G>T, p.Asp1199Tyr (NM_001406530.1); and 21 more; short protein forms D1052Y, D1063Y, D1072Y, D1085Y, D1115Y, D1117Y, D1130Y, D1136Y.
Identifiers: ClinVar variation 3387361 (VCV003387361.1).